The following is an entry in ClinVar:

NM_182961.4(SYNE1):c.22590-1G>A

Gene: SYNE1 (spectrin repeat containing nuclear envelope protein 1; minus strand). Cytogenetic location: 6q25.2.
Variant type: single nucleotide variant.
Coding change: c.22590-1G>A on transcript NM_182961.4 (MANE Select); the canonical splice acceptor site of the intron before coding-DNA position 22590, G replaced by A.
Molecular consequence: splice acceptor variant.
Genome position (GRCh38, 1-based): chr6:152,208,207, C>T on the plus strand (G>A on the coding strand, the complement: SYNE1 is on the minus strand). VCF-style: chr6-152208207-C-T. GRCh37 (hg19) VCF-style: chr6-152529342-C-T.
Other names: c.22377-1G>A (NM_033071.5).
Identifiers: ClinVar variation 1525943 (VCV001525943.6), dbSNP rs2153409815, ClinGen allele CA366096799.

ClinVar aggregate classification (germline): Likely pathogenic (1 of 4 stars; one submission).

Conditions:
Emery-Dreifuss muscular dystrophy 4, autosomal dominant (EDMD4). Also called: EMERY-DREIFUSS MUSCULAR DYSTROPHY 4 WITH VARIABLE FEATURES. Identifiers: Orphanet 261, MedGen C2751807, MONDO:0013071, OMIM 612998.
Autosomal recessive ataxia, Beauce type. Also called: Spinocerebellar ataxia, autosomal recessive 8; ATAXIA, RECESSIVE, OF BEAUCE; SYNE1 Deficiency; SYNE1-Related Autosomal Recessive Cerebellar Ataxia. Identifiers: Orphanet 88644, MedGen C1853116, MONDO:0012549, OMIM 610743.

gnomAD v4.1: 1 of 1,613,442 alleles (0.000062%); no homozygotes.

Submission:

Labcorp Genetics (formerly Invitae), Labcorp
Classification: Likely pathogenic for Emery-Dreifuss muscular dystrophy 4, autosomal dominant; Autosomal recessive ataxia, Beauce type. Last evaluated: 2021-08-02. Review status: criteria provided, single submitter. Criteria: Invitae Variant Classification Sherloc (09022015). Collection method: clinical testing. Allele origin: germline.
Comment: In summary, the currently available evidence indicates that the variant is pathogenic, but additional data are needed to prove that conclusively. Therefore, this variant has been classified as Likely Pathogenic. Algorithms developed to predict the effect of sequence changes on RNA splicing suggest that this variant may disrupt the consensus splice site. This variant has not been reported in the literature in individuals affected with SYNE1-related conditions. This variant is not present in population databases (ExAC no frequency). This sequence change affects an acceptor splice site in intron 123 of the SYNE1 gene. It is expected to disrupt RNA splicing. Variants that disrupt the donor or acceptor splice site typically lead to a loss of protein function (PMID: 16199547), and loss-of-function variants in SYNE1 are known to be pathogenic (PMID: 19542096, 24319099, 27086870).

Literature cited by the submitters: PubMed 16199547; PubMed 19542096; PubMed 24319099; PubMed 27086870.